The following is an entry in ClinVar:

NM_005228.5(EGFR):c.2183A>G (p.Lys728Arg)

Gene: EGFR (epidermal growth factor receptor; plus strand). Cytogenetic location: 7p11.2.
Variant type: single nucleotide variant.
Coding change: c.2183A>G on transcript NM_005228.5 (MANE Select); coding-DNA position 2183, A replaced by G.
Protein change: p.Lys728Arg; replaces lysine 728 with arginine.
Molecular consequence: missense variant.
Genome position (GRCh38, 1-based): chr7:55,174,042, A>G. VCF-style: chr7-55174042-A-G. GRCh37 (hg19) VCF-style: chr7-55241735-A-G.
Other names: c.2048A>G, p.Lys683Arg (NM_001346897.2, NM_001346899.2); c.2183A>G, p.Lys728Arg (NM_001346898.2); c.2024A>G, p.Lys675Arg (NM_001346900.2); c.1382A>G, p.Lys461Arg (NM_001346941.2); short protein forms K683R, K675R, K728R, K461R.
Identifiers: ClinVar variation 1367404 (VCV001367404.8), dbSNP rs2128953784, ClinGen allele CA367583852.

ClinVar aggregate classification (germline): Uncertain significance (1 of 4 stars; one submission).

Conditions:
EGFR-related lung cancer (EGFR). Identifiers: MedGen CN130014.

Submission:

Labcorp Genetics (formerly Invitae), Labcorp
Classification: Uncertain significance for EGFR-related lung cancer. Last evaluated: 2021-07-14. Review status: criteria provided, single submitter. Criteria: Invitae Variant Classification Sherloc (09022015). Collection method: clinical testing. Allele origin: germline.
Comment: This sequence change replaces lysine with arginine at codon 728 of the EGFR protein (p.Lys728Arg). The lysine residue is moderately conserved and there is a small physicochemical difference between lysine and arginine. This variant is not present in population databases (ExAC no frequency). This variant has not been reported in the literature in individuals affected with EGFR-related conditions. Algorithms developed to predict the effect of missense changes on protein structure and function (SIFT, PolyPhen-2, Align-GVGD) all suggest that this variant is likely to be tolerated. Algorithms developed to predict the effect of sequence changes on RNA splicing suggest that this variant may create or strengthen a splice site. In summary, the available evidence is currently insufficient to determine the role of this variant in disease. Therefore, it has been classified as a Variant of Uncertain Significance.